The following is an entry in ClinVar:

NM_001110556.2(FLNA):c.2665C>T (p.Leu889Phe)

Gene: FLNA (filamin A; minus strand). Cytogenetic location: Xq28.
Variant type: single nucleotide variant.
Coding change: c.2665C>T on transcript NM_001110556.2 (MANE Select); coding-DNA position 2665, C replaced by T.
Protein change: p.Leu889Phe; replaces leucine 889 with phenylalanine.
Molecular consequence: missense variant.
Genome position (GRCh38, 1-based): chrX:154,362,140, G>A on the plus strand (C>T on the coding strand, the complement: FLNA is on the minus strand). VCF-style: chrX-154362140-G-A. GRCh37 (hg19) VCF-style: chrX-153590508-G-A.
Other names: c.2665C>T, p.Leu889Phe (NM_001456.4); c.2665C>T (NM_001456.3); short protein forms L889F.
Identifiers: ClinVar variation 2419288 (VCV002419288.6), dbSNP rs782485771, ClinGen allele CA10560857.

ClinVar aggregate classification (germline): Conflicting classifications of pathogenicity. Review status: criteria provided, conflicting classifications (1 of 4 stars). 2 submissions from 2 submitters: Uncertain significance (1); Benign (1). Last evaluated 2026-03-30.

Conditions:
Heterotopia, periventricular, X-linked dominant (PVNH1). Also called: PERIVENTRICULAR NODULAR HETEROTOPIA 1; X-linked periventricular heterotopia; PERIVENTRICULAR NODULAR HETEROTOPIA 4; HETEROTOPIA, PERIVENTRICULAR, 1. Identifiers: Orphanet 2149, Orphanet 82004, MedGen C1848213, MONDO:0010233, OMIM 300049.
Oto-palato-digital syndrome, type II (OPD2). Also called: FACIOPALATOOSSEOUS SYNDROME; OPD II SYNDROME; Otopalatodigital Syndrome, Type II; Otopalatodigital Syndrome Type 2 (FLNA-OPD2). Identifiers: Orphanet 669, Orphanet 90652, MedGen C1844696, MONDO:0010571, OMIM 304120.
Melnick-Needles syndrome (MNS). Also called: MELNICK-NEEDLES OSTEODYSPLASTY; OSTEODYSPLASTY OF MELNICK AND NEEDLES; Melnick-Needles Syndrome (FLNA-MNS). Identifiers: Orphanet 2484, MedGen C0025237, MONDO:0010650, OMIM 309350.
Frontometaphyseal dysplasia (FMD1). Identifiers: Orphanet 1826, MedGen C0265293, MONDO:0015942.

Allele frequency attached by ClinVar (database versions not stated): ExAC 0.00002; gnomAD exomes below 0.00001.
gnomAD v4.1: 3 of 1,211,657 alleles (0.00025%); highest among the groups gnomAD compares: East Asian, 0.0089%; no homozygotes.

Submissions (2):

GeneDx
Classification: Uncertain significance. Last evaluated: 2026-03-30. Review status: criteria provided, single submitter. Criteria: GeneDx Variant Classification Process June 2021. Collection method: clinical testing. Allele origin: germline.
Comment: In silico analysis suggests that this missense variant does not alter protein structure/function; Has not been previously published as pathogenic or benign to our knowledge

Labcorp Genetics (formerly Invitae), Labcorp
Classification: Benign for Oto-palato-digital syndrome, type II; Heterotopia, periventricular, X-linked dominant; Frontometaphyseal dysplasia; Melnick-Needles syndrome. Last evaluated: 2022-10-24. Review status: criteria provided, single submitter. Criteria: Invitae Variant Classification Sherloc (09022015). Collection method: clinical testing. Allele origin: germline.